The following is an entry in ClinVar:

ClinVar aggregate classification (germline): Likely benign (1 of 4 stars; one submission).

gnomAD v4.1: 2 of 1,610,408 alleles (0.00012%); highest among the groups gnomAD compares: Non-Finnish European, 0.00017%; no homozygotes.

Submission:

CeGaT Center for Human Genetics Tuebingen
Classification: Likely benign. Last evaluated: 2026-07-01. Review status: criteria provided, single submitter. Criteria: CeGaT Center For Human Genetics Tuebingen Variant Classification Criteria Version 2. Collection method: clinical testing. Allele origin: germline. Affected: yes. Observed: 1 variant allele.
Comment: BCAS3: BP4, BP7

NM_017679.5(BCAS3):c.2037C>T (p.Pro679=)

Genes: BCAS3 (BCAS3 microtubule associated cell migration factor; plus strand), BCAS3-AS1 (BCAS3 antisense RNA 1; minus strand). Cytogenetic location: 17q23.2.
Variant type: single nucleotide variant.
Coding change: c.2037C>T on transcript NM_017679.5 (MANE Select); coding-DNA position 2037, C replaced by T.
Protein change: p.Pro679=; no amino-acid change (proline 679 retained).
Molecular consequence: synonymous variant.
Genome position (GRCh38, 1-based): chr17:61,074,927, C>T. VCF-style: chr17-61074927-C-T. GRCh37 (hg19) VCF-style: chr17-59152288-C-T.
Other names: c.2082C>T, p.Pro694= (NM_001099432.3, NM_001330413.2, NM_001353146.2); c.2037C>T, p.Pro679= (NM_001320470.3, NM_001330414.2); c.2172C>T, p.Pro724= (NM_001353144.2); c.2127C>T, p.Pro709= (NM_001353145.2).
Identifiers: ClinVar variation 5040142 (VCV005040142.1).